The following is an entry in ClinVar:

ClinVar aggregate classification (germline): Uncertain significance. Review status: criteria provided, multiple submitters, no conflicts (2 of 4 stars). 4 submissions from 4 submitters: Uncertain significance (4). Last evaluated 2026-01-18.

Conditions:
Arrhythmogenic cardiomyopathy with wooly hair and keratoderma. Also called: PALMOPLANTAR KERATODERMA WITH LEFT VENTRICULAR CARDIOMYOPATHY AND WOOLLY HAIR; Carvajal syndrome; Dilated cardiomyopathy with woolly hair and keratoderma; Arrhythmogenic cardiomyopathy with woolly hair and keratoderma. Identifiers: Orphanet 65282, MedGen C1854063, MONDO:0011581, OMIM 605676.
Arrhythmogenic right ventricular dysplasia 8 (ARVD8). Also called: Arrhythmogenic Right Ventricular Dysplasia/Cardiomyopathy 8; ARRHYTHMOGENIC RIGHT VENTRICULAR DYSPLASIA, FAMILIAL, 8; ARRHYTHMOGENIC RIGHT VENTRICULAR CARDIOMYOPATHY 8. Identifiers: MedGen C1843896, MONDO:0011831, OMIM 607450.
Cardiomyopathy (CMYO). Also called: Cardiomyopathies. Identifiers: Orphanet 167848, MedGen C0878544, MONDO:0004994, HP:0001638. Inheritance: Various modes of inheritance.
Cardiovascular phenotype. Identifiers: MedGen CN230736.

Allele frequency attached by ClinVar (database versions not stated): gnomAD exomes below 0.00001; gnomAD 0.00001; TOPMed 0.00002.
gnomAD v4.1: 9 of 1,614,070 alleles (0.00056%); highest among the groups gnomAD compares: Non-Finnish European, 0.00076%; no homozygotes.

Submissions (4):

Labcorp Genetics (formerly Invitae), Labcorp
Classification: Uncertain significance for Arrhythmogenic cardiomyopathy with wooly hair and keratoderma; Arrhythmogenic right ventricular dysplasia 8. Last evaluated: 2026-01-18. Review status: criteria provided, single submitter. Criteria: Invitae Variant Classification Sherloc (09022015). Collection method: clinical testing. Allele origin: germline.
Comment: This sequence change replaces glutamine, which is neutral and polar, with proline, which is neutral and non-polar, at codon 2672 of the DSP protein (p.Gln2672Pro). This variant is not present in population databases (gnomAD no frequency). This variant has not been reported in the literature in individuals affected with DSP-related conditions. ClinVar contains an entry for this variant (Variation ID: 405236). An algorithm developed to predict the effect of missense changes on protein structure and function (PolyPhen-2) suggests that this variant is likely to be disruptive. In summary, the available evidence is currently insufficient to determine the role of this variant in disease. Therefore, it has been classified as a Variant of Uncertain Significance.

Ambry Genetics
Classification: Uncertain significance for Cardiovascular phenotype. Last evaluated: 2025-08-28. Review status: criteria provided, single submitter. Criteria: Ambry Variant Classification Scheme 2023. Collection method: clinical testing. Allele origin: germline.
Comment: The p.Q2672P variant (also known as c.8015A>C), located in coding exon 24 of the DSP gene, results from an A to C substitution at nucleotide position 8015. The glutamine at codon 2672 is replaced by proline, an amino acid with similar properties. This amino acid position is well conserved in available vertebrate species. In addition, this alteration is predicted to be deleterious by in silico analysis. Since supporting evidence is limited at this time, the clinical significance of this alteration remains unclear.

All of Us Research Program, National Institutes of Health
Classification: Uncertain significance for Arrhythmogenic cardiomyopathy with wooly hair and keratoderma. Last evaluated: 2024-07-20. Review status: criteria provided, single submitter. Criteria: ACMG Guidelines, 2015. Collection method: clinical testing. Allele origin: germline. Inheritance: Autosomal dominant inheritance. Observed: 6 variant alleles, 6 heterozygotes.
Comment: This missense variant replaces glutamine with proline at codon 2672 of the DSP protein. Computational prediction is inconclusive regarding the impact of this variant on protein structure and function (internally defined REVEL score threshold 0.5 < inconclusive < 0.7, PMID: 27666373). To our knowledge, functional studies have not been reported for this variant. This variant has not been reported in individuals affected with cardiovascular disorders in the literature. This variant has not been identified in the general population by the Genome Aggregation Database (gnomAD). The available evidence is insufficient to determine the role of this variant in disease conclusively. Therefore, this variant is classified as a Variant of Uncertain Significance.

This study involves interpretation of variants in research participants for the purpose of population health screening. Participant phenotype was not available at the time of variant classification. Additional details can be found in publication PMID: 35346344, PMCID: PMC8962531

Color Diagnostics, LLC DBA Color Health
Classification: Uncertain significance for Cardiomyopathy. Last evaluated: 2024-03-06. Review status: criteria provided, single submitter. Criteria: ACMG Guidelines, 2015. Collection method: clinical testing. Allele origin: germline.
Comment: This missense variant replaces glutamine with proline at codon 2672 of the DSP protein. Computational prediction is inconclusive regarding the impact of this variant on protein structure and function (internally defined REVEL score threshold 0.5 < inconclusive < 0.7, PMID: 27666373). To our knowledge, functional studies have not been reported for this variant. This variant has not been reported in individuals affected with cardiovascular disorders in the literature. This variant has not been identified in the general population by the Genome Aggregation Database (gnomAD). The available evidence is insufficient to determine the role of this variant in disease conclusively. Therefore, this variant is classified as a Variant of Uncertain Significance.

NM_004415.4(DSP):c.8015A>C (p.Gln2672Pro)

Gene: DSP (desmoplakin; plus strand). Cytogenetic location: 6p24.3.
Variant type: single nucleotide variant.
Coding change: c.8015A>C on transcript NM_004415.4 (MANE Select); coding-DNA position 8015, A replaced by C.
Protein change: p.Gln2672Pro; replaces glutamine 2672 with proline.
Molecular consequence: missense variant.
Genome position (GRCh38, 1-based): chr6:7,585,277, A>C. VCF-style: chr6-7585277-A-C. GRCh37 (hg19) VCF-style: chr6-7585510-A-C.
Other names: c.8015A>C (LRG_423t1); c.6218A>C, p.Gln2073Pro (NM_001008844.3); c.6686A>C, p.Gln2229Pro (NM_001319034.2); short protein forms Q2672P, Q2073P, Q2229P.
Identifiers: ClinVar variation 405236 (VCV000405236.19), dbSNP rs1060500612, ClinGen allele CA16612204.